The following is an entry in ClinVar:

ClinVar aggregate classification (germline): Uncertain significance (1 of 4 stars; one submission).

Allele frequency attached by ClinVar (database versions not stated): gnomAD exomes below 0.00001.
gnomAD v4.1: 1 of 1,614,198 alleles (0.000062%); highest among the groups gnomAD compares: Non-Finnish European, 0.000085%; no homozygotes.

Submission:

GeneDx
Classification: Uncertain significance. Last evaluated: 2017-09-27. Review status: criteria provided, single submitter. Criteria: GeneDx Variant Classification (06012015). Collection method: clinical testing. Allele origin: germline. Affected: yes.
Comment: The I3167T variant in the RELN gene has not been reported previously as a pathogenic variant, nor as a benign variant, to our knowledge. The I3167T variant is not observed in large population cohorts (Lek et al., 2016). The I3167T variant is a non-conservative amino acid substitution, which is likely to impact secondary protein structure as these residues differ in polarity, charge, size and/or other properties. This substitution occurs at a position where amino acids with similar properties to Isoleucine are tolerated across species. In silico analysis is inconsistent in its predictions as to whether or not the variant is damaging to the protein structure/function. We interpret I3167T as a variant of uncertain significance.

NM_005045.4(RELN):c.9500T>C (p.Ile3167Thr)

Genes: RELN (reelin; minus strand), SLC26A5-AS1 (SLC26A5 antisense RNA 1; plus strand), LOC126860130 (BRD4-independent group 4 enhancer GRCh37_chr7:103130126-103131325; plus strand). Cytogenetic location: 7q22.1.
Variant type: single nucleotide variant.
Coding change: c.9500T>C on transcript NM_005045.4 (MANE Select); coding-DNA position 9500, T replaced by C.
Protein change: p.Ile3167Thr; replaces isoleucine 3167 with threonine.
Molecular consequence: missense variant.
Genome position (GRCh38, 1-based): chr7:103,490,773, A>G on the plus strand (T>C on the coding strand, the complement: RELN is on the minus strand). VCF-style: chr7-103490773-A-G. GRCh37 (hg19) VCF-style: chr7-103131220-A-G.
Other names: c.9500T>C, p.Ile3167Thr (NM_173054.3); short protein forms I3167T.
Identifiers: ClinVar variation 452260 (VCV000452260.2), dbSNP rs1554362492, ClinGen allele CA368745532.